The following is an entry in ClinVar:

ClinVar aggregate classification (germline): Likely benign. Review status: criteria provided, multiple submitters, no conflicts (2 of 4 stars). 2 submissions from 2 submitters: Likely benign (2). Last evaluated 2024-09-09.

Conditions:
Inborn genetic diseases. Identifiers: MedGen C0950123, MeSH D030342.

Allele frequency attached by ClinVar (database versions not stated): ExAC 0.00004; TOPMed 0.00004; gnomAD 0.00005.
gnomAD v4.1: 25 of 1,614,056 alleles (0.0015%); highest among the groups gnomAD compares: East Asian, 0.027%; no homozygotes.

Submissions (2):

Ambry Genetics
Classification: Likely benign for Inborn genetic diseases. Last evaluated: 2024-09-09. Review status: criteria provided, single submitter. Criteria: Ambry Variant Classification Scheme 2023. Collection method: clinical testing. Allele origin: germline.

CeGaT Center for Human Genetics Tuebingen
Classification: Likely benign. Last evaluated: 2023-09-01. Review status: criteria provided, single submitter. Criteria: CeGaT Center For Human Genetics Tuebingen Variant Classification Criteria Version 2. Collection method: clinical testing. Allele origin: germline. Affected: yes. Observed: 1 variant allele.
Comment: PSMC3: BP4, BP7

NM_002804.5(PSMC3):c.1251C>T (p.His417=)

Gene: PSMC3 (proteasome 26S subunit, ATPase 3; minus strand). Cytogenetic location: 11p11.2.
Variant type: single nucleotide variant.
Coding change: c.1251C>T on transcript NM_002804.5 (MANE Select); coding-DNA position 1251, C replaced by T.
Protein change: p.His417=; no amino-acid change (histidine 417 retained).
Molecular consequence: synonymous variant.
Genome position (GRCh38, 1-based): chr11:47,418,904, G>A on the plus strand (C>T on the coding strand, the complement: PSMC3 is on the minus strand). VCF-style: chr11-47418904-G-A. GRCh37 (hg19) VCF-style: chr11-47440455-G-A.
Other names: c.1251C>T (NM_002804.4).
Identifiers: ClinVar variation 2641766 (VCV002641766.25), dbSNP rs760546886, ClinGen allele CA5976108.